The following is an entry in ClinVar:

NM_004360.5(CDH1):c.1649G>A (p.Arg550Lys)

Gene: CDH1 (cadherin 1; plus strand). Cytogenetic location: 16q22.1.
Variant type: single nucleotide variant.
Coding change: c.1649G>A on transcript NM_004360.5 (MANE Select); coding-DNA position 1649, G replaced by A.
Protein change: p.Arg550Lys; replaces arginine 550 with lysine.
Molecular consequence: missense variant. On other transcripts: intron variant (1).
Genome position (GRCh38, 1-based): chr16:68,819,363, G>A. VCF-style: chr16-68819363-G-A. GRCh37 (hg19) VCF-style: chr16-68853266-G-A.
Other names: c.1466G>A, p.Arg489Lys (NM_001317184.2); c.101G>A, p.Arg34Lys (NM_001317185.2); c.-254-2638G>A (NM_001317186.2); c.1649G>A (NM_004360.4); short protein forms R34K, R489K, R550K.
Identifiers: ClinVar variation 819744 (VCV000819744.16), dbSNP rs771649648, ClinGen allele CA396465213.

ClinVar aggregate classification (germline): Uncertain significance. Review status: criteria provided, multiple submitters, no conflicts (2 of 4 stars). 5 submissions from 5 submitters: Uncertain significance (5). Last evaluated 2025-07-17.

Conditions:
Familial cancer of breast. Also called: hereditary breast carcinoma; Hereditary breast cancer; BREAST CANCER, FAMILIAL. Identifiers: Orphanet 227535, MedGen C0346153, MONDO:0016419, OMIM 114480. Disease mechanism: loss of function.
Hereditary cancer-predisposing syndrome. Also called: Hereditary Cancer Syndrome; Neoplastic Syndromes, Hereditary; Tumor predisposition; Hereditary neoplastic syndrome. Identifiers: Orphanet 140162, MedGen C0027672, MeSH D009386, MONDO:0015356.
Hereditary diffuse gastric adenocarcinoma (HDGC). Also called: DIFFUSE GASTRIC AND LOBULAR BREAST CANCER SYNDROME. Identifiers: Orphanet 26106, MedGen C1708349, MONDO:0007648, OMIM 137215.

gnomAD v4.1: 2 of 1,614,086 alleles (0.00012%); highest among the groups gnomAD compares: Non-Finnish European, 0.00017%; no homozygotes.

Submissions (5):

Labcorp Genetics (formerly Invitae), Labcorp
Classification: Uncertain significance for Hereditary diffuse gastric adenocarcinoma. Last evaluated: 2025-07-17. Review status: criteria provided, single submitter. Criteria: Invitae Variant Classification Sherloc (09022015). Collection method: clinical testing. Allele origin: germline.
Comment: This sequence change replaces arginine, which is basic and polar, with lysine, which is basic and polar, at codon 550 of the CDH1 protein (p.Arg550Lys). This variant is not present in population databases (gnomAD no frequency). This variant has not been reported in the literature in individuals affected with CDH1-related conditions. ClinVar contains an entry for this variant (Variation ID: 819744). An algorithm developed to predict the effect of missense changes on protein structure and function (PolyPhen-2) suggests that this variant is likely to be disruptive. In summary, the available evidence is currently insufficient to determine the role of this variant in disease. Therefore, it has been classified as a Variant of Uncertain Significance.

Baylor Genetics
Classification: Uncertain significance for Familial cancer of breast. Last evaluated: 2023-11-28. Review status: criteria provided, single submitter. Criteria: ACMG Guidelines, 2015. Collection method: clinical testing. Allele origin: unknown.

Quest Diagnostics Nichols Institute San Juan Capistrano
Classification: Uncertain significance. Last evaluated: 2023-08-09. Review status: criteria provided, single submitter. Criteria: Quest Diagnostics criteria. Collection method: clinical testing. Allele origin: unknown.
Comment: This variant has not been reported in the published literature. It also has not been reported in large, multi-ethnic general populations (Genome Aggregation Database). Analysis of this variant using bioinformatics tools for the prediction of the effect of amino acid changes on protein structure and function yielded predictions that this variant is damaging. Based on the available information, we are unable to determine the clinical significance of this variant.

GeneDx
Classification: Uncertain significance. Last evaluated: 2023-03-16. Review status: criteria provided, single submitter. Criteria: GeneDx Variant Classification Process June 2021. Collection method: clinical testing. Allele origin: germline.
Comment: Not observed at significant frequency in large population cohorts (gnomAD); In silico analysis supports that this missense variant has a deleterious effect on protein structure/function; Has not been previously published as pathogenic or benign to our knowledge; This variant is associated with the following publications: (PMID: 15235021, 22850631, 33237286)

Ambry Genetics
Classification: Uncertain significance for Hereditary cancer-predisposing syndrome. Last evaluated: 2019-03-13. Review status: criteria provided, single submitter. Criteria: Ambry Variant Classification Scheme 2023. Collection method: clinical testing. Allele origin: germline.
Comment: The p.R550K variant (also known as c.1649G>A), located in coding exon 11 of the CDH1 gene, results from a G to A substitution at nucleotide position 1649. The arginine at codon 550 is replaced by lysine, an amino acid with highly similar properties. This amino acid position is highly conserved in available vertebrate species. In addition, the in silico prediction for this alteration is inconclusive. Since supporting evidence is limited at this time, the clinical significance of this alteration remains unclear.